The following is an entry in ClinVar:

NM_015443.4(KANSL1):c.1726C>T (p.Arg576Ter)

Gene: KANSL1 (KAT8 regulatory NSL complex subunit 1). Cytogenetic location: 17q21.31.
Variant type: single nucleotide variant.
Coding change: c.1726C>T on transcript NM_015443.4 (MANE Select); coding-DNA position 1726, C replaced by T.
Protein change: p.Arg576Ter; replaces arginine 576 with a stop codon.
Molecular consequence: nonsense.
Genome position (GRCh38, 1-based): chr17:46,066,659, G>A on the plus strand (C>T on the coding strand, the complement: KANSL1 is on the minus strand). VCF-style: chr17-46066659-G-A. GRCh37 (hg19) VCF-style: chr17-44144025-G-A.
Other names: c.1726C>T, p.Arg576Ter (NM_001193465.2, NM_001193466.2, NM_001379198.1); short protein forms R576*.
Identifiers: ClinVar variation 1212041 (VCV001212041.11), dbSNP rs2146658002, ClinGen allele CA399986803.

ClinVar aggregate classification (germline): Pathogenic. Review status: criteria provided, multiple submitters, no conflicts (2 of 4 stars). 3 submissions from 3 submitters: Pathogenic (3). Last evaluated 2023-11-27.

Conditions:
Koolen-de Vries syndrome (KDVS). Identifiers: Orphanet 96169, MedGen C1864871, MONDO:0012496, OMIM 610443.

Submissions (3):

Labcorp Genetics (formerly Invitae), Labcorp
Classification: Pathogenic for Koolen-de Vries syndrome. Last evaluated: 2023-11-27. Review status: criteria provided, single submitter. Criteria: Invitae Variant Classification Sherloc (09022015). Collection method: clinical testing. Allele origin: germline.
Comment: This sequence change creates a premature translational stop signal (p.Arg576*) in the KANSL1 gene. It is expected to result in an absent or disrupted protein product. Loss-of-function variants in KANSL1 are known to be pathogenic (PMID: 22544363, 22544367). This variant is not present in population databases (gnomAD no frequency). This variant has not been reported in the literature in individuals affected with KANSL1-related conditions. ClinVar contains an entry for this variant (Variation ID: 1212041). For these reasons, this variant has been classified as Pathogenic.

GeneDx
Classification: Pathogenic. Last evaluated: 2022-09-14. Review status: criteria provided, single submitter. Criteria: GeneDx Variant Classification Process June 2021. Collection method: clinical testing. Allele origin: germline. Affected: yes.
Comment: Nonsense variant predicted to result in protein truncation or nonsense mediated decay in a gene for which loss-of-function is a known mechanism of disease; Not observed in large population cohorts (gnomAD); Has not been previously published as pathogenic or benign to our knowledge

Institute for Medical Genetics and Human Genetics, Charité - Universitätsmedizin Berlin
Classification: Pathogenic for Koolen-de Vries syndrome. Review status: criteria provided, single submitter. Criteria: ACMG Guidelines, 2015. Collection method: not provided. Allele origin: germline. Inheritance: Autosomal dominant inheritance. Affected: yes.

Literature cited by the submitters: PubMed 22544363 (cited by Labcorp Genetics (formerly Invitae), Labcorp); PubMed 22544367 (cited by Labcorp Genetics (formerly Invitae), Labcorp).